The following is an entry in ClinVar:

ClinVar aggregate classification (germline): Likely pathogenic (1 of 4 stars; one submission).

Conditions:
Hereditary cancer-predisposing syndrome. Also called: Hereditary Cancer Syndrome; Hereditary neoplastic syndrome; Neoplastic Syndromes, Hereditary; Tumor predisposition. Identifiers: Orphanet 140162, MedGen C0027672, MeSH D009386, MONDO:0015356.

Submission:

Ambry Genetics
Classification: Likely pathogenic for Hereditary cancer-predisposing syndrome. Last evaluated: 2022-09-15. Review status: criteria provided, single submitter. Criteria: Ambry Variant Classification Scheme 2023. Collection method: clinical testing. Allele origin: germline.
Comment: The c.577_578insALU likely pathogenic variant results from the insertion of an Alu element between nucleotides 577 and 578 in coding exon 5 of the BRIP1 gene. Mobile element insertions contribute to pathogenicity by either disrupting the coding sequence or inducing aberrant splicing (Belancio VP et al. Semin. Cancer Biol. 2010 Aug;20:200-10; Deininger P et al. Genome Biol. 2011 Dec;12:236; van der Klift HM Hum Mutat. 2012 Jul;33(7):1051-5). Based on the majority of available evidence to date, this variant is likely to be pathogenic.

NM_032043.2:c.577_578insALU

Gene: BRIP1 (BRCA1 interacting DNA helicase 1; minus strand).
Variant type: Insertion.
Identifiers: ClinVar variation 1749548 (VCV001749548.2).